The following is an entry in ClinVar:

NM_198576.4(AGRN):c.5294T>C (p.Val1765Ala)

Gene: AGRN (agrin; plus strand). Cytogenetic location: 1p36.33.
Variant type: single nucleotide variant.
Coding change: c.5294T>C on transcript NM_198576.4 (MANE Select); coding-DNA position 5294, T replaced by C.
Protein change: p.Val1765Ala; replaces valine 1765 with alanine.
Molecular consequence: missense variant.
Genome position (GRCh38, 1-based): chr1:1,051,293, T>C. VCF-style: chr1-1051293-T-C. GRCh37 (hg19) VCF-style: chr1-986673-T-C.
Other names: c.5306T>C, p.Val1769Ala (NM_001305275.2); c.4991T>C, p.Val1664Ala (NM_001364727.2); short protein forms V1765A, V1664A, V1769A.
Identifiers: ClinVar variation 969205 (VCV000969205.6), dbSNP rs1645279656, ClinGen allele CA337781255.

ClinVar aggregate classification (germline): Uncertain significance (1 of 4 stars; one submission).

Conditions:
Congenital myasthenic syndrome 8. Also called: MYASTHENIC SYNDROME, CONGENITAL, DUE TO AGRIN DEFICIENCY; Myasthenic syndrome, congenital, 8, with pre- and postsynaptic defects. Identifiers: Orphanet 590, MedGen C3808739, MONDO:0014052, OMIM 615120.

Allele frequency attached by ClinVar (database versions not stated): gnomAD below 0.00001 and 0.00001.
gnomAD v4.1: 15 of 1,575,230 alleles (0.00095%); highest among the groups gnomAD compares: South Asian, 0.0012%; no homozygotes.

Submission:

Labcorp Genetics (formerly Invitae), Labcorp
Classification: Uncertain significance for Congenital myasthenic syndrome 8. Last evaluated: 2022-07-26. Review status: criteria provided, single submitter. Criteria: Invitae Variant Classification Sherloc (09022015). Collection method: clinical testing. Allele origin: germline.
Comment: This sequence change replaces valine, which is neutral and non-polar, with alanine, which is neutral and non-polar, at codon 1765 of the AGRN protein (p.Val1765Ala). This variant is not present in population databases (gnomAD no frequency). This variant has not been reported in the literature in individuals affected with AGRN-related conditions. ClinVar contains an entry for this variant (Variation ID: 969205). Algorithms developed to predict the effect of missense changes on protein structure and function are either unavailable or do not agree on the potential impact of this missense change (SIFT: "Deleterious"; PolyPhen-2: "Probably Damaging"; Align-GVGD: "Class C0"). In summary, the available evidence is currently insufficient to determine the role of this variant in disease. Therefore, it has been classified as a Variant of Uncertain Significance.